The following is an entry in ClinVar:

NM_001320.7(CSNK2B):c.505A>G (p.Met169Val)

Gene: CSNK2B (casein kinase 2 beta; plus strand). Cytogenetic location: 6p21.33.
Variant type: single nucleotide variant.
Coding change: c.505A>G on transcript NM_001320.7 (MANE Select); coding-DNA position 505, A replaced by G.
Protein change: p.Met169Val; replaces methionine 169 with valine.
Molecular consequence: missense variant.
Genome position (GRCh38, 1-based): chr6:31,669,456, A>G. VCF-style: chr6-31669456-A-G. GRCh37 (hg19) VCF-style: chr6-31637233-A-G.
Other names: c.496A>G, p.Met166Val (NM_001282385.2); short protein forms M166V, M169V.
Identifiers: ClinVar variation 2631763 (VCV002631763.1), dbSNP rs2536968227, ClinGen allele CA363477430.

ClinVar aggregate classification (germline): Uncertain significance (1 of 4 stars; one submission).

Conditions:
CSNK2B-related disorder. Also called: CSNK2B-related condition.

Allele frequency attached by ClinVar (database versions not stated): gnomAD exomes below 0.00001.

Submission:

PreventionGenetics, part of Exact Sciences
Classification: Uncertain significance for CSNK2B-related condition. Last evaluated: 2023-07-21. Review status: criteria provided, single submitter. Criteria: ACMG Guidelines, 2015. Collection method: clinical testing. Allele origin: germline.
Comment: The CSNK2B c.505A>G variant is predicted to result in the amino acid substitution p.Met169Val. To our knowledge, this variant has not been reported in the literature or in a large population database, indicating this variant is rare. At this time, the clinical significance of this variant is uncertain due to the absence of conclusive functional and genetic evidence.